The following is an entry in ClinVar:

NM_182914.3(SYNE2):c.16940T>G (p.Ile5647Ser)

Gene: SYNE2 (spectrin repeat containing nuclear envelope protein 2; plus strand). Cytogenetic location: 14q23.2.
Variant type: single nucleotide variant.
Coding change: c.16940T>G on transcript NM_182914.3 (MANE Select); coding-DNA position 16940, T replaced by G.
Protein change: p.Ile5647Ser; replaces isoleucine 5647 with serine.
Molecular consequence: missense variant.
Genome position (GRCh38, 1-based): chr14:64,168,911, T>G. VCF-style: chr14-64168911-T-G. GRCh37 (hg19) VCF-style: chr14-64635629-T-G.
Other names: c.16940T>G, p.Ile5647Ser (NM_015180.6); short protein forms I5647S.
Identifiers: ClinVar variation 3451891 (VCV003451891.14).
Genomic context (GRCh38, chr14:64,168,911, plus strand): 5'-TATTTTCTGCTTGGACTCATATACAGATGTTAGAAGCTGAAGTTTCTATAAACCAGACAA[T>G]TGCTGATTCCTATGTCACCCAGTCCTTACAACTCCTGGACACAACAGAAATAGAGAACAG-3'
Protein context (NP_878918.2, residues 5637-5657): LEAEVSINQT[Ile5647Ser]ADSYVTQSLQ

ClinVar aggregate classification (germline): Conflicting classifications of pathogenicity. Review status: criteria provided, conflicting classifications (1 of 4 stars). 2 submissions from 2 submitters: Uncertain significance (1); Likely benign (1). Last evaluated 2024-12-01.

gnomAD v4.1: 16 of 1,614,098 alleles (0.00099%); highest among the groups gnomAD compares: Non-Finnish European, 0.0014%; no homozygotes.

Submissions (2):

CeGaT Center for Human Genetics Tuebingen
Classification: Likely benign. Last evaluated: 2024-12-01. Review status: criteria provided, single submitter. Criteria: CeGaT Center For Human Genetics Tuebingen Variant Classification Criteria Version 2. Collection method: clinical testing. Allele origin: germline. Affected: yes. Observed: 1 variant allele.
Comment: SYNE2: BP4

Ambry Genetics
Classification: Uncertain significance. Last evaluated: 2024-07-30. Review status: criteria provided, single submitter. Criteria: Ambry Variant Classification Scheme 2023. Collection method: clinical testing. Allele origin: germline.